The following is an entry in ClinVar:

ClinVar aggregate classification (germline): Pathogenic. Review status: reviewed by expert panel (3 of 4 stars). 18 submissions from 18 submitters: Pathogenic (1). 17 of the submissions do not count toward it. Last evaluated 2016-09-08.

Conditions:
Inherited breast cancer and ovarian cancer.
Breast and/or ovarian cancer. Identifiers: MedGen CN221562.
Hereditary cancer-predisposing syndrome. Also called: Hereditary Cancer Syndrome; Tumor predisposition; Neoplastic Syndromes, Hereditary; Hereditary neoplastic syndrome. Identifiers: Orphanet 140162, MedGen C0027672, MeSH D009386, MONDO:0015356.
Hereditary breast ovarian cancer syndrome. Also called: Breast and ovarian cancer; BRCA1- and BRCA2-Associated Hereditary Breast and Ovarian Cancer; Hereditary breast and ovarian cancer; Hereditary breast and ovarian cancer syndrome (HBOC); Hereditary breast and ovarian cancer syndrome; Hereditary breast and/or ovarian cancer syndrome. Identifiers: Orphanet 145, MedGen C0677776, MeSH D061325, MONDO:0003582. Disease mechanism: loss of function.
Breast-ovarian cancer, familial, susceptibility to, 2 (BROVCA2). Also called: BRCA2 Hereditary Breast and Ovarian Cancer. Identifiers: Orphanet 145, MedGen C2675520, MONDO:0012933, OMIM 612555. Disease mechanism: loss of function.
Breast-ovarian cancer, familial, susceptibility to, 1 (BROVCA1). Also called: BRCA1 Hereditary Breast and Ovarian Cancer; OVARIAN CANCER, SUSCEPTIBILITY TO. Identifiers: Orphanet 145, MedGen C2676676, MONDO:0011450, OMIM 604370. Disease mechanism: loss of function.
Familial cancer of breast. Also called: BREAST CANCER, FAMILIAL; hereditary breast carcinoma; Hereditary breast cancer. Identifiers: Orphanet 227535, MedGen C0346153, MONDO:0016419, OMIM 114480. Disease mechanism: loss of function.

Submissions 1 to 12 of 18:

Evidence-based Network for the Interpretation of Germline Mutant Alleles (ENIGMA)
Classification: Pathogenic for Breast-ovarian cancer, familial, susceptibility to, 2. Last evaluated: 2016-09-08. Review status: reviewed by expert panel. Criteria: ENIGMA BRCA1/2 Classification Criteria (2015). Collection method: curation. Allele origin: germline.
Comment: Variant allele predicted to encode a truncated non-functional protein.

Clinical Genetics Laboratory, Skane University Hospital Lund
Classification: Pathogenic for Breast-ovarian cancer, familial, susceptibility to, 2. Last evaluated: 2026-08-19. Review status: criteria provided, single submitter. Criteria: ACMG Guidelines, 2015. Collection method: clinical testing. Allele origin: germline. Affected: yes. Not counted in ClinVar's aggregate classification.

Genetics Laboratory, Great Ormond Street Hospital NHS Foundation Trust, North Thames Genomic Laboratory Hub
Classification: Pathogenic for Inherited breast cancer and ovarian cancer. Last evaluated: 2026-02-26. Review status: criteria provided, single submitter. Criteria: CanVIG BRCA Gene Specific V1.22. Collection method: clinical testing. Allele origin: germline. Affected: yes. Not counted in ClinVar's aggregate classification.
Comment: PS4_moderate, PM2_moderate, PVS1_very-strong, PM5_strong

Labcorp Genetics (formerly Invitae), Labcorp
Classification: Pathogenic for Hereditary breast ovarian cancer syndrome. Last evaluated: 2026-01-25. Review status: criteria provided, single submitter. Criteria: Invitae Variant Classification Sherloc (09022015). Collection method: clinical testing. Allele origin: germline. Not counted in ClinVar's aggregate classification.
Comment: This sequence change creates a premature translational stop signal (p.His2417Glnfs*3) in the BRCA2 gene. It is expected to result in an absent or disrupted protein product. Loss-of-function variants in BRCA2 are known to be pathogenic (PMID: 20104584). This variant is not present in population databases (gnomAD no frequency). This premature translational stop signal has been observed in individual(s) with breast, ovarian, and possibly other cancers (PMID: 15131399). For these reasons, this variant has been classified as Pathogenic.

Ambry Genetics
Classification: Pathogenic for Hereditary cancer-predisposing syndrome. Last evaluated: 2025-09-24. Review status: criteria provided, single submitter. Criteria: Ambry Variant Classification Scheme 2023. Collection method: clinical testing. Allele origin: germline. Not counted in ClinVar's aggregate classification.
Comment: The c.7251_7252delCA (p.H2417Qfs*3) alteration, located in exon 14 (coding exon 13) of the BRCA2 gene, consists of a deletion of 2 nucleotides from position 7251 to 7252, causing a translational frameshift with a predicted alternate stop codon after 3 amino acids. This alteration is expected to result in loss of function by premature protein truncation or nonsense-mediated mRNA decay. This variant was not reported in population-based cohorts in the Genome Aggregation Database (gnomAD). This variant was reported in individual(s) with features consistent with BRCA2-related cancer predisposition (Lubinski, 2004; Kluska, 2015; Cybulski, 2015). Of note, this alteration is also designated as 7479delCA and c.7249delCA in published literature. Based on the available evidence, this alteration is classified as pathogenic.

CeGaT Center for Human Genetics Tuebingen
Classification: Pathogenic. Last evaluated: 2024-10-01. Review status: criteria provided, single submitter. Criteria: CeGaT Center For Human Genetics Tuebingen Variant Classification Criteria Version 2. Collection method: clinical testing. Allele origin: germline. Affected: yes. Observed: 1 variant allele. Not counted in ClinVar's aggregate classification.
Comment: BRCA2: PVS1, PM2, PS4:Moderate

Baylor Genetics
Classification: Pathogenic for Familial cancer of breast. Last evaluated: 2023-04-14. Review status: criteria provided, single submitter. Criteria: ACMG Guidelines, 2015. Collection method: clinical testing. Allele origin: unknown. Not counted in ClinVar's aggregate classification.

GeneDx
Classification: Pathogenic. Last evaluated: 2023-03-27. Review status: criteria provided, single submitter. Criteria: GeneDx Variant Classification Process June 2021. Collection method: clinical testing. Allele origin: germline. Affected: yes. Not counted in ClinVar's aggregate classification.
Comment: Frameshift variant predicted to result in protein truncation or nonsense mediated decay in a gene for which loss-of-function is a known mechanism of disease; Not observed at significant frequency in large population cohorts (gnomAD); Observed in individuals with a personal or family history consistent with pathogenic variants in this gene (Lubinski 2004, Cybulski 2014, Kluska 2015); Truncating variants in this gene are considered pathogenic by a well-established clinical consortium and/or database; Also known as BRCA2 7479_7480del, 7479delCA, 7249delCA, and 7249_7250delCA; This variant is associated with the following publications: (PMID: 15131399, 27225819, 24784157, 26843898, 25330149, 25948282, 29753700, 30787465)

Quest Diagnostics Nichols Institute San Juan Capistrano
Classification: Pathogenic. Last evaluated: 2023-01-20. Review status: criteria provided, single submitter. Criteria: Quest Diagnostics criteria. Collection method: clinical testing. Allele origin: unknown. Not counted in ClinVar's aggregate classification.
Comment: This frameshift variant alters the translational reading frame of the BRCA2 mRNA and causes the premature termination of BRCA2 protein synthesis. This variant has not been reported in large, multi-ethnic general populations. In the published literature, the variant has been reported in individuals with hereditary breast and/or ovarian cancer (PMID: 26843898 (2016)) as well as other cancers (PMID: 15131399 (2004), 29753700 (2018)). Based on the available information, this variant is classified as pathogenic.

Color Diagnostics, LLC DBA Color Health
Classification: Pathogenic for Hereditary cancer-predisposing syndrome. Last evaluated: 2022-02-23. Review status: criteria provided, single submitter. Criteria: ACMG Guidelines, 2015. Collection method: clinical testing. Allele origin: germline. Not counted in ClinVar's aggregate classification.
Comment: This variant deletes 2 nucleotides in exon 14 of the BRCA2 gene, creating a frameshift and premature translation stop signal. This variant is expected to result in an absent or non-functional protein product. This variant is also known as 7479delCA, c.7249delCA, and c.7249_7250delCA in the literature. This variant has been reported in individuals affected with breast cancer, and in high-risk hereditary breast and ovarian cancer families (PMID: 15131399, 25330149, 25948282, 31209999). This variant has also been identified in two families among the CIMBA participants (PMID: 29446198). This variant has not been identified in the general population by the Genome Aggregation Database (gnomAD). Loss of BRCA2 function is a known mechanism of disease. Based on the available evidence, this variant is classified as Pathogenic.

Women's Health and Genetics/Laboratory Corporation of America, LabCorp
Classification: Pathogenic for Hereditary breast ovarian cancer syndrome. Last evaluated: 2021-12-17. Review status: criteria provided, single submitter. Criteria: LabCorp Variant Classification Summary - May 2015. Collection method: clinical testing. Allele origin: germline. Not counted in ClinVar's aggregate classification.
Comment: Variant summary: BRCA2 c.7251_7252delCA (p.His2417GlnfsX3) results in a premature termination codon, predicted to cause a truncation of the encoded protein or absence of the protein due to nonsense mediated decay, which are commonly known mechanisms for disease. Truncations downstream of this position have been classified as pathogenic by our laboratory. The variant was absent in 251262 control chromosomes. c.7251_7252delCA has been reported in the literature in individuals affected with Hereditary Breast And Ovarian Cancer Syndrome (e.g. Kluska_2015,Rebbeck_2018). These data indicate that the variant is likely to be associated with disease. To our knowledge, no experimental evidence demonstrating an impact on protein function has been reported. Ten clinical diagnostic laboratories have submitted clinical-significance assessments for this variant to ClinVar after 2014 without evidence for independent evaluation. All laboratories classified the variant as pathogenic. Based on the evidence outlined above, the variant was classified as pathogenic.

Genetics and Molecular Pathology, SA Pathology
Classification: Pathogenic for Breast-ovarian cancer, familial, susceptibility to, 2. Last evaluated: 2020-04-17. Review status: criteria provided, single submitter. Criteria: ACMG Guidelines, 2015. Collection method: clinical testing. Allele origin: germline. Inheritance: Autosomal dominant inheritance. Affected: yes. Not counted in ClinVar's aggregate classification.

NM_000059.4(BRCA2):c.7251_7252del (p.His2417fs)

Gene: BRCA2 (BRCA2 DNA repair associated; plus strand). Cytogenetic location: 13q13.1.
Variant type: Microsatellite.
Coding change: c.7251_7252del on transcript NM_000059.4 (MANE Select); coding-DNA positions 7251 to 7252, 2 bases deleted (CA; older notation c.7251_7252delCA).
Protein change: p.His2417fs; shifts the reading frame from histidine 2417.
Molecular consequence: frameshift variant.
Genome position (GRCh38, 1-based): chr13:32,355,104-32,355,105, CA deleted; deleting any 2 consecutive bases within chr13:32,355,102-32,355,105 gives the same sequence; the c. name uses the placement nearest the transcript's 3' end. VCF-style (leftmost placement, unchanged base first): chr13-32355101-TCA-T. GRCh37 (hg19) VCF-style: chr13-32929238-TCA-T.
Other names: 7479delCA; c.7251_7252delCA (NM_000059.3); short protein forms H2417fs.
Identifiers: ClinVar variation 52298 (VCV000052298.49), dbSNP rs397507907, ClinGen allele CA024993.